The following is an entry in ClinVar:

ClinVar aggregate classification (germline): Likely benign. Review status: criteria provided, multiple submitters, no conflicts (2 of 4 stars). 3 submissions from 3 submitters: Likely benign (3). Last evaluated 2026-01-28.

Conditions:
Neuropathy, hereditary sensory, type 2C. Also called: KIF1A-Related HSAN2 (HSAN2C); Hereditary sensory and autonomic neuropathy type IIC. Identifiers: Orphanet 970, MedGen C3280168, MONDO:0013634, OMIM 614213.
Intellectual disability, autosomal dominant 9 (NESCAVS). Also called: NESCAV SYNDROME; KIF1A-Related Neurodevelopmental Disorder. Identifiers: Orphanet 662367, MedGen C5393830, MONDO:0013656, OMIM 614255.
Hereditary spastic paraplegia 30. Identifiers: Orphanet 101010, MedGen C5235139, MONDO:0012476.

Allele frequency attached by ClinVar (database versions not stated): gnomAD exomes below 0.00001 and 0.00001; ExAC 0.00002; gnomAD 0.00003; TOPMed 0.00004; ESP Exome Variant Server 0.00008.
gnomAD v4.1: 6 of 1,586,254 alleles (0.00038%); highest among the groups gnomAD compares: African/African-American, 0.0081%; no homozygotes.

Submissions (3):

Labcorp Genetics (formerly Invitae), Labcorp
Classification: Likely benign for Hereditary spastic paraplegia 30; Neuropathy, hereditary sensory, type 2C; Intellectual disability, autosomal dominant 9. Last evaluated: 2026-01-28. Review status: criteria provided, single submitter. Criteria: Invitae Variant Classification Sherloc (09022015). Collection method: clinical testing. Allele origin: germline.

Women's Health and Genetics/Laboratory Corporation of America, LabCorp
Classification: Likely benign. Last evaluated: 2024-04-08. Review status: criteria provided, single submitter. Criteria: LabCorp Variant Classification Summary - May 2015. Collection method: clinical testing. Allele origin: germline.

GeneDx
Classification: Likely benign. Last evaluated: 2016-01-06. Review status: criteria provided, single submitter. Criteria: GeneDx Variant Classification (06012015). Collection method: clinical testing. Allele origin: germline. Affected: yes.
Comment: This variant is considered likely benign or benign based on one or more of the following criteria: it is a conservative change, it occurs at a poorly conserved position in the protein, it is predicted to be benign by multiple in silico algorithms, and/or has population frequency not consistent with disease.

NM_001244008.2(KIF1A):c.3584+11T>C

Gene: KIF1A (kinesin family member 1A; minus strand). Cytogenetic location: 2q37.3.
Variant type: single nucleotide variant.
Coding change: c.3584+11T>C on transcript NM_001244008.2 (MANE Select); 11 bases into the intron after coding-DNA position 3584, T replaced by C.
Molecular consequence: intron variant.
Genome position (GRCh38, 1-based): chr2:240,743,931, A>G on the plus strand (T>C on the coding strand, the complement: KIF1A is on the minus strand). VCF-style: chr2-240743931-A-G. GRCh37 (hg19) VCF-style: chr2-241683348-A-G.
Other names: c.3281+11T>C (NM_001379653.1, NM_001379650.1, NM_001379641.1 and 5 more transcripts); c.3557+11T>C (NM_001379645.1, NM_001379633.1, NM_001379642.1); c.3383+11T>C (NM_001379635.1, NM_001330290.2, NM_001379646.1 and 1 more transcripts); c.3278+11T>C (NM_001379640.1); c.3533+11T>C (NM_001379632.1); c.3356+11T>C (NM_001379637.1, NM_001379648.1); c.3308+11T>C (NM_001320705.2, NM_001379638.1, NM_001330289.2); c.3659+11T>C (NM_001379631.1).
Identifiers: ClinVar variation 382660 (VCV000382660.10), dbSNP rs376563968, ClinGen allele CA2207770.